The following is an entry in ClinVar:

NM_001042681.2(RERE):c.2507C>T (p.Pro836Leu)

Gene: RERE (arginine-glutamic acid dipeptide repeats; minus strand). Cytogenetic location: 1p36.23.
Variant type: single nucleotide variant.
Coding change: c.2507C>T on transcript NM_001042681.2 (MANE Select); coding-DNA position 2507, C replaced by T.
Protein change: p.Pro836Leu; replaces proline 836 with leucine.
Molecular consequence: missense variant.
Genome position (GRCh38, 1-based): chr1:8,361,000, G>A on the plus strand (C>T on the coding strand, the complement: RERE is on the minus strand). VCF-style: chr1-8361000-G-A. GRCh37 (hg19) VCF-style: chr1-8421060-G-A.
Other names: c.845C>T, p.Pro282Leu (NM_001042682.2); c.2507C>T, p.Pro836Leu (NM_012102.4); short protein forms P836L, P282L.
Identifiers: ClinVar variation 930549 (VCV000930549.3), dbSNP rs1239182312, ClinGen allele CA338172474.

ClinVar aggregate classification (germline): Uncertain significance (1 of 4 stars; one submission).

Conditions:
Neurodevelopmental disorder with or without anomalies of the brain, eye, or heart (NEDBEH). Identifiers: Orphanet 494344, MedGen C5567477, MONDO:0014857, OMIM 616975.

Allele frequency attached by ClinVar (database versions not stated): gnomAD exomes 0.00004; TOPMed 0.00002; gnomAD 0.00003.
gnomAD v4.1: 30 of 1,438,344 alleles (0.0021%); highest among the groups gnomAD compares: East Asian, 0.0076%; no homozygotes.

Submission:

Centre for Mendelian Genomics, University Medical Centre Ljubljana
Classification: Uncertain significance for Neurodevelopmental disorder with or without anomalies of the brain, eye, or heart. Last evaluated: 2019-08-12. Review status: criteria provided, single submitter. Criteria: ACMG Guidelines, 2015. Collection method: clinical testing. Allele origin: unknown. Affected: yes.
Comment: This variant was classified as: Uncertain significance. The available evidence on this variant's pathogenicity is insufficient or conflicting. The following ACMG criteria were applied in classifying this variant: BP4.